The following is an entry in ClinVar:

ClinVar aggregate classification (germline): Uncertain significance. Review status: criteria provided, multiple submitters, no conflicts (2 of 4 stars). 2 submissions from 2 submitters: Uncertain significance (2). Last evaluated 2023-05-03.

Conditions:
Spastic paraplegia. Identifiers: MedGen C0037772, HP:0001258.

Submissions (2):

Labcorp Genetics (formerly Invitae), Labcorp
Classification: Uncertain significance for Spastic paraplegia. Last evaluated: 2023-05-03. Review status: criteria provided, single submitter. Criteria: Invitae Variant Classification Sherloc (09022015). Collection method: clinical testing. Allele origin: germline.
Comment: This variant, c.1002_1007del, results in the deletion of 2 amino acid(s) of the ERLIN2 protein (p.Ala335_Thr336del), but otherwise preserves the integrity of the reading frame. In summary, the available evidence is currently insufficient to determine the role of this variant in disease. Therefore, it has been classified as a Variant of Uncertain Significance. Experimental studies and prediction algorithms are not available or were not evaluated, and the functional significance of this variant is currently unknown. ClinVar contains an entry for this variant (Variation ID: 210957). This variant has not been reported in the literature in individuals affected with ERLIN2-related conditions. This variant is present in population databases (rs797045563, gnomAD 0.0009%).

Genetic Services Laboratory, University of Chicago
Classification: Uncertain significance. Last evaluated: 2015-03-12. Review status: criteria provided, single submitter. Criteria: ACMG Guidelines, 2015. Collection method: clinical testing. Allele origin: germline.

NM_007175.8(ERLIN2):c.1002_1007del (p.Ala335_Thr336del)

Gene: ERLIN2 (ER lipid raft associated 2; plus strand). Cytogenetic location: 8p11.23.
Variant type: Deletion.
Coding change: c.1002_1007del on transcript NM_007175.8 (MANE Select); coding-DNA positions 1002 to 1007, 6 bases deleted (GGCCAC; older notation c.1002_1007delGGCCAC).
Protein change: p.Ala335_Thr336del.
Molecular consequence: inframe deletion.
Genome position (GRCh38, 1-based): chr8:37,754,097-37,754,102, GGCCAC deleted; deleting any 6 consecutive bases within chr8:37,754,095-37,754,102 gives the same sequence; the c. name uses the placement nearest the transcript's 3' end. VCF-style (leftmost placement, unchanged base first): chr8-37754094-GACGGCC-G. GRCh37 (hg19) VCF-style: chr8-37611612-GACGGCC-G.
Other names: c.1002_1007del, p.Ala335_Thr336del (NM_001362878.2).
Identifiers: ClinVar variation 210957 (VCV000210957.11), dbSNP rs797045563, ClinGen allele CA209670.